The following is an entry in ClinVar:

NM_001199138.2(NLRC4):c.1630G>C (p.Glu544Gln)

Gene: NLRC4 (NLR family CARD domain containing 4; minus strand). Cytogenetic location: 2p22.3.
Variant type: single nucleotide variant.
Coding change: c.1630G>C on transcript NM_001199138.2 (MANE Select); coding-DNA position 1630, G replaced by C.
Protein change: p.Glu544Gln; replaces glutamic acid 544 with glutamine.
Molecular consequence: missense variant. On other transcripts: intron variant (1).
Genome position (GRCh38, 1-based): chr2:32,250,234, C>G on the plus strand (G>C on the coding strand, the complement: NLRC4 is on the minus strand). VCF-style: chr2-32250234-C-G. GRCh37 (hg19) VCF-style: chr2-32475303-C-G.
Other names: c.1630G>C, p.Glu544Gln (NM_001199139.2, NM_021209.5); c.262+2185G>C (NM_001302504.1); short protein forms E544Q.
Identifiers: ClinVar variation 1879462 (VCV001879462.29), dbSNP rs774546369, ClinGen allele CA1601953.

ClinVar aggregate classification (germline): Uncertain significance (1 of 4 stars; one submission).

gnomAD v4.1: 1 of 1,614,178 alleles (0.000062%); highest among the groups gnomAD compares: Non-Finnish European, 0.000085%; no homozygotes.

Submission:

CeGaT Center for Human Genetics Tuebingen
Classification: Uncertain significance. Last evaluated: 2022-10-01. Review status: criteria provided, single submitter. Criteria: CeGaT Center For Human Genetics Tuebingen Variant Classification Criteria Version 2. Collection method: clinical testing. Allele origin: germline. Affected: yes. Observed: 1 variant allele.
Comment: NLRC4: PM2, BP4